The following is an entry in ClinVar:

NM_001563.4(IMPG1):c.1724T>C (p.Val575Ala)

Gene: IMPG1 (interphotoreceptor matrix proteoglycan 1; minus strand). Cytogenetic location: 6q14.1.
Variant type: single nucleotide variant.
Coding change: c.1724T>C on transcript NM_001563.4 (MANE Select); coding-DNA position 1724, T replaced by C.
Protein change: p.Val575Ala; replaces valine 575 with alanine.
Molecular consequence: missense variant.
Genome position (GRCh38, 1-based): chr6:75,950,662, A>G on the plus strand (T>C on the coding strand, the complement: IMPG1 is on the minus strand). VCF-style: chr6-75950662-A-G. GRCh37 (hg19) VCF-style: chr6-76660379-A-G.
Other names: c.1490T>C, p.Val497Ala (NM_001282368.2); short protein forms V497A, V575A.
Identifiers: ClinVar variation 2090972 (VCV002090972.4), dbSNP rs1782008950, ClinGen allele CA364777003.
Genomic context (GRCh38, chr6:75,950,662, plus strand): 5'-GAGCTCTTGTTGAACAGGTCGTTGGAGAAGGCCATGTTAGCAACACGCAGACTGAAGAAC[A>G]CTACCAGCTCTCGGCCCTTGGGGGCAATGGTCATAGAACTAGTGGTGATATACTGTAAAG-3'
Protein context (NP_001554.2, residues 565-585): TIAPKGRELV[Val575Ala]FFSLRVANMA

ClinVar aggregate classification (germline): Uncertain significance (1 of 4 stars; one submission).

Allele frequency attached by ClinVar (database versions not stated): TOPMed below 0.00001; gnomAD 0.00001.
gnomAD v4.1: 3 of 1,613,794 alleles (0.00019%); highest among the groups gnomAD compares: Admixed American, 0.0017%; no homozygotes.

Submission:

Labcorp Genetics (formerly Invitae), Labcorp
Classification: Uncertain significance. Last evaluated: 2022-01-28. Review status: criteria provided, single submitter. Criteria: Invitae Variant Classification Sherloc (09022015). Collection method: clinical testing. Allele origin: germline.
Comment: In summary, the available evidence is currently insufficient to determine the role of this variant in disease. Therefore, it has been classified as a Variant of Uncertain Significance. Algorithms developed to predict the effect of missense changes on protein structure and function (SIFT, PolyPhen-2, Align-GVGD) all suggest that this variant is likely to be disruptive. This variant has not been reported in the literature in individuals affected with IMPG1-related conditions. This variant is not present in population databases (gnomAD no frequency). This sequence change replaces valine, which is neutral and non-polar, with alanine, which is neutral and non-polar, at codon 575 of the IMPG1 protein (p.Val575Ala).